The following is an entry in ClinVar:

NM_006073.4(TRDN):c.1150A>G (p.Lys384Glu)

Gene: TRDN (triadin; minus strand). Cytogenetic location: 6q22.31.
Variant type: single nucleotide variant.
Coding change: c.1150A>G on transcript NM_006073.4 (MANE Select); coding-DNA position 1150, A replaced by G.
Protein change: p.Lys384Glu; replaces lysine 384 with glutamic acid.
Molecular consequence: missense variant.
Genome position (GRCh38, 1-based): chr6:123,382,133, T>C on the plus strand (A>G on the coding strand, the complement: TRDN is on the minus strand). VCF-style: chr6-123382133-T-C. GRCh37 (hg19) VCF-style: chr6-123703278-T-C.
Other names: c.1153A>G, p.Lys385Glu (NM_001251987.2); short protein forms K384E, K385E.
Identifiers: ClinVar variation 1496492 (VCV001496492.8), dbSNP rs1159691201, ClinGen allele CA365566761.

ClinVar aggregate classification (germline): Uncertain significance. Review status: criteria provided, multiple submitters, no conflicts (2 of 4 stars). 2 submissions from 2 submitters: Uncertain significance (2). Last evaluated 2021-08-23.

Conditions:
Catecholaminergic polymorphic ventricular tachycardia 1. Also called: VENTRICULAR TACHYCARDIA, CATECHOLAMINERGIC POLYMORPHIC, 1, WITH OR WITHOUT ATRIAL DYSFUNCTION AND/OR DILATED CARDIOMYOPATHY; RYR2-Related Catecholaminergic Polymorphic Ventricular Tachycardia; VENTRICULAR TACHYCARDIA, STRESS-INDUCED POLYMORPHIC 1. Identifiers: Orphanet 3286, MedGen C1631597, MONDO:0011484, OMIM 604772.
Catecholaminergic polymorphic ventricular tachycardia 5 (CARDAR). Also called: Ventricular tachycardia, catecholaminergic polymorphic, 5, with or without muscle weakness; CARDIAC ARRHYTHMIA SYNDROME, WITH OR WITHOUT SKELETAL MUSCLE WEAKNESS. Identifiers: Orphanet 3286, MedGen C3809536, MONDO:0014191, OMIM 615441.

Submissions (2):

Fulgent Genetics
Classification: Uncertain significance for Catecholaminergic polymorphic ventricular tachycardia 1; Catecholaminergic polymorphic ventricular tachycardia 5. Last evaluated: 2021-08-23. Review status: criteria provided, single submitter. Criteria: ACMG Guidelines, 2015. Collection method: clinical testing. Allele origin: unknown.

Labcorp Genetics (formerly Invitae), Labcorp
Classification: Uncertain significance for Catecholaminergic polymorphic ventricular tachycardia 1. Last evaluated: 2021-08-07. Review status: criteria provided, single submitter. Criteria: Invitae Variant Classification Sherloc (09022015). Collection method: clinical testing. Allele origin: germline.
Comment: This variant has not been reported in the literature in individuals affected with TRDN-related conditions. This variant is not present in population databases (ExAC no frequency). This sequence change replaces lysine with glutamic acid at codon 384 of the TRDN protein (p.Lys384Glu). The lysine residue is moderately conserved and there is a small physicochemical difference between lysine and glutamic acid. Algorithms developed to predict the effect of missense changes on protein structure and function are either unavailable or do not agree on the potential impact of this missense change (SIFT: "Deleterious"; PolyPhen-2: "Benign"; Align-GVGD: "Class C0"). In summary, the available evidence is currently insufficient to determine the role of this variant in disease. Therefore, it has been classified as a Variant of Uncertain Significance.